The following is an entry in ClinVar:

NM_033109.5(PNPT1):c.2056A>G (p.Ile686Val)

Gene: PNPT1 (polyribonucleotide nucleotidyltransferase 1; minus strand). Cytogenetic location: 2p16.1.
Variant type: single nucleotide variant.
Coding change: c.2056A>G on transcript NM_033109.5 (MANE Select); coding-DNA position 2056, A replaced by G.
Protein change: p.Ile686Val; replaces isoleucine 686 with valine.
Molecular consequence: missense variant.
Genome position (GRCh38, 1-based): chr2:55,643,171, T>C on the plus strand (A>G on the coding strand, the complement: PNPT1 is on the minus strand). VCF-style: chr2-55643171-T-C. GRCh37 (hg19) VCF-style: chr2-55870306-T-C.
Other names: short protein forms I686V.
Identifiers: ClinVar variation 3388664 (VCV003388664.14).

ClinVar aggregate classification (germline): Uncertain significance (1 of 4 stars; one submission).

Submission:

CeGaT Center for Human Genetics Tuebingen
Classification: Uncertain significance. Last evaluated: 2025-03-01. Review status: criteria provided, single submitter. Criteria: CeGaT Center For Human Genetics Tuebingen Variant Classification Criteria Version 2. Collection method: clinical testing. Allele origin: germline. Affected: yes. Observed: 3 variant alleles.
Comment: PNPT1: PM2